The following is an entry in ClinVar:

NM_018706.7(DHTKD1):c.1624C>T (p.Pro542Ser)

Gene: DHTKD1 (dehydrogenase E1 and transketolase domain containing 1; plus strand). Cytogenetic location: 10p14.
Variant type: single nucleotide variant.
Coding change: c.1624C>T on transcript NM_018706.7 (MANE Select); coding-DNA position 1624, C replaced by T.
Protein change: p.Pro542Ser; replaces proline 542 with serine.
Molecular consequence: missense variant.
Genome position (GRCh38, 1-based): chr10:12,097,949, C>T. VCF-style: chr10-12097949-C-T. GRCh37 (hg19) VCF-style: chr10-12139948-C-T.
Other names: short protein forms P542S.
Identifiers: ClinVar variation 2124471 (VCV002124471.4), dbSNP rs1450632093, ClinGen allele CA376021684.
Genomic context (GRCh38, chr10:12,097,949, plus strand): 5'-TGGAGTACAGGTGTGCCCCTCGACCTCCTGCGGTTTGTTGGCATGAAGTCTGTAGAGGTG[C>T]CAAGAGAGCTGCAGATGCACAGTCACCTGCTGAAGACACATGTTCAGGTGGGCAGCCTCC-3'
Protein context (NP_061176.4, residues 532-552): RFVGMKSVEV[Pro542Ser]RELQMHSHLL

ClinVar aggregate classification (germline): Uncertain significance (1 of 4 stars; one submission).

Conditions:
2-aminoadipic 2-oxoadipic aciduria (AAKAD). Also called: Aminoadipic aciduria; ALPHA-AMINOADIPIC AND ALPHA-KETOADIPIC ACIDURIA. Identifiers: Orphanet 79154, MedGen C1859817, MONDO:0008774, OMIM 204750.

gnomAD v4.1: 1 of 1,613,794 alleles (0.000062%); highest among the groups gnomAD compares: South Asian, 0.0011%; no homozygotes.

Submission:

Labcorp Genetics (formerly Invitae), Labcorp
Classification: Uncertain significance for 2-aminoadipic 2-oxoadipic aciduria. Last evaluated: 2022-04-11. Review status: criteria provided, single submitter. Criteria: Invitae Variant Classification Sherloc (09022015). Collection method: clinical testing. Allele origin: germline.
Comment: This sequence change replaces proline, which is neutral and non-polar, with serine, which is neutral and polar, at codon 542 of the DHTKD1 protein (p.Pro542Ser). This variant is present in population databases (no rsID available, gnomAD 0.003%). This variant has not been reported in the literature in individuals affected with DHTKD1-related conditions. Algorithms developed to predict the effect of missense changes on protein structure and function (SIFT, PolyPhen-2, Align-GVGD) all suggest that this variant is likely to be disruptive. In summary, the available evidence is currently insufficient to determine the role of this variant in disease. Therefore, it has been classified as a Variant of Uncertain Significance.